The following is an entry in ClinVar:

ClinVar aggregate classification (germline): Benign (1 of 4 stars; one submission).

Conditions:
Melanoma-pancreatic cancer syndrome. Identifiers: Orphanet 404560, MedGen C1838547, MONDO:0011713, OMIM 606719. Disease mechanism: loss of function.

gnomAD v4.1: 1 of 1,591,208 alleles (0.000063%); highest among the groups gnomAD compares: Non-Finnish European, 0.000086%; no homozygotes.

Submission:

Myriad Genetics, Inc.
Classification: Benign for Melanoma-pancreatic cancer syndrome. Last evaluated: 2025-08-18. Review status: criteria provided, single submitter. Criteria: Myriad Autosomal Dominant, Autosomal Recessive and X-Linked Classification Criteria (2023). Collection method: clinical testing. Allele origin: unknown.
Comment: This variant is considered benign. This variant is intronic and is not expected to impact mRNA splicing.

NM_000077.5(CDKN2A):c.458-60A>G

Gene: CDKN2A (cyclin dependent kinase inhibitor 2A; minus strand). Cytogenetic location: 9p21.3.
Variant type: single nucleotide variant.
Coding change: c.458-60A>G on transcript NM_000077.5 (MANE Select); 60 bases into the intron before coding-DNA position 458, A replaced by G.
Molecular consequence: intron variant.
Genome position (GRCh38, 1-based): chr9:21,968,302, T>C on the plus strand (A>G on the coding strand, the complement: CDKN2A is on the minus strand). VCF-style: chr9-21968302-T-C. GRCh37 (hg19) VCF-style: chr9-21968301-T-C.
Other names: c.305-60A>G (NM_001363763.2); c.*102-60A>G (NM_058195.4); c.*151-60A>G (NM_001195132.2); c.*381-60A>G (NM_058197.5).
Identifiers: ClinVar variation 4294124 (VCV004294124.1).